The following is an entry in ClinVar:

ClinVar aggregate classification (germline): Uncertain significance. Review status: criteria provided, multiple submitters, no conflicts (2 of 4 stars). 2 submissions from 2 submitters: Uncertain significance (2). Last evaluated 2024-07-06.

Conditions:
Bethlem myopathy 1A. Also called: Bethlem Muscular Dystrophy; MYOPATHY, BENIGN CONGENITAL, WITH CONTRACTURES; Bethlem myopathy 1. Identifiers: Orphanet 610, MedGen CN029274, MONDO:0024530, OMIM 158810.

Allele frequency attached by ClinVar (database versions not stated): gnomAD exomes below 0.00001 and 0.00001; gnomAD 0.00001 and 0.00006; TOPMed 0.00010.
gnomAD v4.1: 20 of 1,610,148 alleles (0.0012%); highest among the groups gnomAD compares: South Asian, 0.0011%; no homozygotes.

Submissions (2):

Labcorp Genetics (formerly Invitae), Labcorp
Classification: Uncertain significance for Bethlem myopathy 1A. Last evaluated: 2024-07-06. Review status: criteria provided, single submitter. Criteria: Invitae Variant Classification Sherloc (09022015). Collection method: clinical testing. Allele origin: germline.
Comment: This sequence change replaces arginine, which is basic and polar, with glutamine, which is neutral and polar, at codon 2444 of the COL6A3 protein (p.Arg2444Gln). This variant is present in population databases (no rsID available, gnomAD 0.0009%). This variant has not been reported in the literature in individuals affected with COL6A3-related conditions. ClinVar contains an entry for this variant (Variation ID: 1058418). Advanced modeling of protein sequence and biophysical properties (such as structural, functional, and spatial information, amino acid conservation, physicochemical variation, residue mobility, and thermodynamic stability) performed at Invitae indicates that this missense variant is expected to disrupt COL6A3 protein function with a positive predictive value of 80%. This variant disrupts the p.Arg2444 amino acid residue in COL6A3. Other variant(s) that disrupt this residue have been determined to be pathogenic (Invitae). This suggests that this residue is clinically significant, and that variants that disrupt this residue are likely to be disease-causing. In summary, the available evidence is currently insufficient to determine the role of this variant in disease. Therefore, it has been classified as a Variant of Uncertain Significance.

GeneDx
Classification: Uncertain significance. Last evaluated: 2020-01-24. Review status: criteria provided, single submitter. Criteria: GeneDx Variant Classification Process June 2021. Collection method: clinical testing. Allele origin: germline. Affected: yes.
Comment: Not observed at a significant frequency in large population cohorts (Lek et al., 2016); In silico analysis, which includes protein predictors and evolutionary conservation, supports a deleterious effect; Has not been previously published as pathogenic or benign to our knowledge

NM_004369.4(COL6A3):c.7331G>A (p.Arg2444Gln)

Gene: COL6A3 (collagen type VI alpha 3 chain; minus strand). Cytogenetic location: 2q37.3.
Variant type: single nucleotide variant.
Coding change: c.7331G>A on transcript NM_004369.4 (MANE Select); coding-DNA position 7331, G replaced by A.
Protein change: p.Arg2444Gln; replaces arginine 2444 with glutamine.
Molecular consequence: missense variant.
Genome position (GRCh38, 1-based): chr2:237,344,687, C>T on the plus strand (G>A on the coding strand, the complement: COL6A3 is on the minus strand). VCF-style: chr2-237344687-C-T. GRCh37 (hg19) VCF-style: chr2-238253330-C-T.
Other names: c.5510G>A, p.Arg1837Gln (NM_057166.5); c.6713G>A, p.Arg2238Gln (NM_057167.4); short protein forms R1837Q, R2238Q, R2444Q.
Identifiers: ClinVar variation 1058418 (VCV001058418.12), dbSNP rs895701604, ClinGen allele CA67839499.